The following is an entry in ClinVar:

ClinVar aggregate classification (germline): Likely benign. Review status: criteria provided, multiple submitters, no conflicts (2 of 4 stars). 2 submissions from 2 submitters: Likely benign (2). Last evaluated 2025-04-28.

Conditions:
Pyruvate dehydrogenase E2 deficiency (PDHDD). Also called: Dihydrolipoamide Acetyltransferase (E2) Deficiency; LACTIC ACIDEMIA DUE TO DEFECT OF E2 LIPOYL TRANSACETYLASE OF THE PYRUVATE DEHYDROGENASE COMPLEX. Identifiers: Orphanet 765, Orphanet 79244, MedGen C1855565, MONDO:0009502, OMIM 245348.

Allele frequency attached by ClinVar (database versions not stated): gnomAD exomes 0.00004 and 0.00007; ExAC 0.00006; gnomAD 0.00019 and 0.00023; TOPMed 0.00032.
gnomAD v4.1: 82 of 1,598,706 alleles (0.0051%); highest among the groups gnomAD compares: African/African-American, 0.1%; no homozygotes.

Submissions (2):

Labcorp Genetics (formerly Invitae), Labcorp
Classification: Likely benign for Pyruvate dehydrogenase E2 deficiency. Last evaluated: 2025-04-28. Review status: criteria provided, single submitter. Criteria: Invitae Variant Classification Sherloc (09022015). Collection method: clinical testing. Allele origin: germline.

GeneDx
Classification: Likely benign. Last evaluated: 2017-03-03. Review status: criteria provided, single submitter. Criteria: GeneDx Variant Classification (06012015). Collection method: clinical testing. Allele origin: germline. Affected: yes.
Comment: This variant is considered likely benign or benign based on one or more of the following criteria: it is a conservative change, it occurs at a poorly conserved position in the protein, it is predicted to be benign by multiple in silico algorithms, and/or has population frequency not consistent with disease.

NM_001931.5(DLAT):c.1290+13C>T

Gene: DLAT (dihydrolipoamide S-acetyltransferase; plus strand). Cytogenetic location: 11q23.1.
Variant type: single nucleotide variant.
Coding change: c.1290+13C>T on transcript NM_001931.5 (MANE Select); 13 bases into the intron after coding-DNA position 1290, C replaced by T.
Molecular consequence: intron variant.
Genome position (GRCh38, 1-based): chr11:112,045,243, C>T. VCF-style: chr11-112045243-C-T. GRCh37 (hg19) VCF-style: chr11-111915967-C-T.
Other names: c.828+13C>T (NM_001372042.1); c.1290+13C>T (NM_001372031.1, NM_001372033.1, NM_001372035.1); c.1284+13C>T (NM_001372032.1); c.975+13C>T (NM_001372039.1, NM_001372041.1); c.1011+13C>T (NM_001372038.1); c.909+13C>T (NM_001372040.1); c.1257+13C>T (NM_001372034.1); c.1164+13C>T (NM_001372036.1); and 1 more.
Identifiers: ClinVar variation 507547 (VCV000507547.4), dbSNP rs781932978, ClinGen allele CA6276875.